The following is an entry in ClinVar:

NM_170601.5(SIAE):c.1342C>T (p.Arg448Ter)

Gene: SIAE (sialic acid acetylesterase; minus strand). Cytogenetic location: 11q24.2.
Variant type: single nucleotide variant.
Coding change: c.1342C>T on transcript NM_170601.5 (MANE Select); coding-DNA position 1342, C replaced by T.
Protein change: p.Arg448Ter; replaces arginine 448 with a stop codon.
Molecular consequence: nonsense.
Genome position (GRCh38, 1-based): chr11:124,637,181, G>A on the plus strand (C>T on the coding strand, the complement: SIAE is on the minus strand). VCF-style: chr11-124637181-G-A. GRCh37 (hg19) VCF-style: chr11-124507077-G-A.
Other names: c.1237C>T, p.Arg413Ter (NM_001199922.2); short protein forms R448*, R413*.
Identifiers: ClinVar variation 1472575 (VCV001472575.6), dbSNP rs766694488, ClinGen allele CA6341199.

ClinVar aggregate classification (germline): Uncertain significance (1 of 4 stars; one submission).

Allele frequency attached by ClinVar (database versions not stated): TOPMed below 0.00001; gnomAD exomes 0.00001 and 0.00002; ExAC 0.00002.
gnomAD v4.1: 17 of 1,614,170 alleles (0.0011%); highest among the groups gnomAD compares: East Asian, 0.0022%; no homozygotes.

Submission:

Labcorp Genetics (formerly Invitae), Labcorp
Classification: Uncertain significance. Last evaluated: 2025-05-04. Review status: criteria provided, single submitter. Criteria: Invitae Variant Classification Sherloc (09022015). Collection method: clinical testing. Allele origin: germline.
Comment: This sequence change creates a premature translational stop signal (p.Arg448*) in the SIAE gene. While this is not anticipated to result in nonsense mediated decay, it is expected to disrupt the last 76 amino acid(s) of the SIAE protein. This variant is present in population databases (rs766694488, gnomAD 0.003%). This variant has not been reported in the literature in individuals affected with SIAE-related conditions. ClinVar contains an entry for this variant (Variation ID: 1472575). Experimental studies and prediction algorithms are not available or were not evaluated, and the functional significance of this variant is currently unknown. Algorithms developed to predict the effect of sequence changes on RNA splicing suggest that this variant may disrupt the consensus splice site. In summary, the available evidence is currently insufficient to determine the role of this variant in disease. Therefore, it has been classified as a Variant of Uncertain Significance.